The following is an entry in ClinVar:

ClinVar aggregate classification (germline): Uncertain significance (1 of 4 stars; one submission).

Conditions:
Symmetrical dyschromatosis of extremities (DSH). Also called: RETICULATE ACROPIGMENTATION OF DOHI; SYMMETRIC DYSCHROMATOSIS OF THE EXTREMITIES; Dyschromatosis symmetrica hereditaria; DYSCHROMATOSIS SYMMETRICA HEREDITARIA 1. Identifiers: Orphanet 41, MedGen C0406775, MONDO:0007483, OMIM 127400.
Aicardi-Goutieres syndrome 6 (AGS6). Identifiers: Orphanet 51, MedGen C3539013, MONDO:0014007, OMIM 615010.

Submission:

Labcorp Genetics (formerly Invitae), Labcorp
Classification: Uncertain significance for Aicardi-Goutieres syndrome 6; Symmetrical dyschromatosis of extremities. Last evaluated: 2025-07-28. Review status: criteria provided, single submitter. Criteria: Invitae Variant Classification Sherloc (09022015). Collection method: clinical testing. Allele origin: germline.
Comment: This sequence change falls in intron 11 of the ADAR gene. It does not directly change the encoded amino acid sequence of the ADAR protein. It affects a nucleotide within the consensus splice site. This variant is not present in population databases (gnomAD no frequency). This variant has not been reported in the literature in individuals affected with ADAR-related conditions. ClinVar contains an entry for this variant (Variation ID: 1416080). Variants that disrupt the consensus splice site are a relatively common cause of aberrant splicing (PMID: 17576681, 9536098). Algorithms developed to predict the effect of sequence changes on RNA splicing suggest that this variant is not likely to affect RNA splicing. In summary, the available evidence is currently insufficient to determine the role of this variant in disease. Therefore, it has been classified as a Variant of Uncertain Significance.

Literature cited by the submitters: PubMed 17576681; PubMed 9536098.

NM_001111.5(ADAR):c.3019+4A>G

Gene: ADAR (adenosine deaminase RNA specific; minus strand). Cytogenetic location: 1q21.3.
Variant type: single nucleotide variant.
Coding change: c.3019+4A>G on transcript NM_001111.5 (MANE Select); 4 bases into the intron after coding-DNA position 3019, A replaced by G.
Molecular consequence: intron variant.
Genome position (GRCh38, 1-based): chr1:154,588,121, T>C on the plus strand (A>G on the coding strand, the complement: ADAR is on the minus strand). VCF-style: chr1-154588121-T-C. GRCh37 (hg19) VCF-style: chr1-154560597-T-C.
Other names: c.2056+4A>G (NM_001365049.1); c.2134+4A>G (NM_001365047.1, NM_001193495.2, NM_001365046.1 and 2 more transcripts); c.2884+4A>G (NM_015841.4); c.2941+4A>G (NM_015840.4); c.3046+4A>G (NM_001365045.1).
Identifiers: ClinVar variation 1416080 (VCV001416080.6), dbSNP rs2101575711, ClinGen allele CA2573130537.
Genomic context (GRCh38, chr1:154,588,121, plus strand): 5'-ACTTGGGGTCCCTGGACCTTGCAGAGCCTTTTGAGGAAAGGAGGCGGGGGCATGTATCAC[T>C]CACCGTTCTCCACCTTGGTGCGGAGCTTTCCTTGTTTGGGATTCTCGAAGACAGGGTAGT-3'